The following is an entry in ClinVar:

ClinVar aggregate classification (germline): Likely benign. Review status: criteria provided, multiple submitters, no conflicts (2 of 4 stars). 3 submissions from 3 submitters: Likely benign (3). Last evaluated 2025-07-19.

Conditions:
SPTAN1-related disorder. Also called: SPTAN1-related condition; SPTAN1-related disorders.
Early-infantile DEE. Also called: Early infantile epileptic encephalopathy with suppression bursts; Early infantile epileptic encephalopathy; Ohtahara syndrome. Identifiers: Orphanet 1934, MedGen C0393706, MONDO:0800491.

Allele frequency attached by ClinVar (database versions not stated): gnomAD exomes 0.00001 and 0.00002; TOPMed 0.00002; ExAC 0.00003; gnomAD 0.00003; 1000 Genomes Project 30x 0.00016; 1000 Genomes Project 0.00020.
gnomAD v4.1: 25 of 1,614,150 alleles (0.0015%); highest among the groups gnomAD compares: South Asian, 0.0088%; 1 homozygote.

Submissions (3):

PreventionGenetics, part of Exact Sciences
Classification: Likely benign for SPTAN1-related condition. Last evaluated: 2025-07-19. Review status: criteria provided, single submitter. Criteria: ACMG Guidelines, 2015. Collection method: clinical testing. Allele origin: germline.
Comment: This variant is classified as likely benign based on ACMG/AMP sequence variant interpretation guidelines (Richards et al. 2015 PMID: 25741868, with internal and published modifications).

Labcorp Genetics (formerly Invitae), Labcorp
Classification: Likely benign for Early-infantile DEE. Last evaluated: 2025-05-22. Review status: criteria provided, single submitter. Criteria: Invitae Variant Classification Sherloc (09022015). Collection method: clinical testing. Allele origin: germline.

Athena Diagnostics
Classification: Likely benign. Last evaluated: 2018-06-20. Review status: criteria provided, single submitter. Criteria: Athena Diagnostics Criteria. Collection method: clinical testing. Allele origin: germline.

NM_001130438.3(SPTAN1):c.4479G>A (p.Ala1493=)

Gene: SPTAN1 (spectrin alpha, non-erythrocytic 1; plus strand). Cytogenetic location: 9q34.11.
Variant type: single nucleotide variant.
Coding change: c.4479G>A on transcript NM_001130438.3 (MANE Select); coding-DNA position 4479, G replaced by A.
Protein change: p.Ala1493=; no amino-acid change (alanine 1493 retained).
Molecular consequence: synonymous variant.
Genome position (GRCh38, 1-based): chr9:128,608,264, G>A. VCF-style: chr9-128608264-G-A. GRCh37 (hg19) VCF-style: chr9-131370543-G-A.
Other names: c.4419G>A, p.Ala1473= (NM_001195532.2, NM_001363765.2); c.4479G>A, p.Ala1493= (NM_001363759.2, NM_003127.4).
Identifiers: ClinVar variation 586678 (VCV000586678.12), dbSNP rs201716851, ClinGen allele CA5265177.
Genomic context (GRCh38, chr9:128,608,264, plus strand): 5'-AGGAGACTCACTGGACAGCGTAGAGGCTCTGATCAAAAAACATGAAGACTTTGACAAAGC[G>A]ATTAACGTCCAGGTGAGGCCTCTGGACCATGGAGTTGGAGTCTGGATTTTTCCTGATTGA-3'
Protein context (NP_001123910.1, residues 1483-1503): LIKKHEDFDK[Ala1493=]INVQEEKIAA